The following is an entry in ClinVar:

NM_177438.3(DICER1):c.4926del (p.Lys1643fs)

Gene: DICER1 (dicer 1, ribonuclease III; minus strand). Cytogenetic location: 14q32.13.
Variant type: Deletion.
Coding change: c.4926del on transcript NM_177438.3 (MANE Select); coding-DNA position 4926, one base deleted (G; older notation c.4926delG).
Protein change: p.Lys1643fs; shifts the reading frame from lysine 1643.
Molecular consequence: frameshift variant. On other transcripts: non-coding transcript variant (6).
Genome position (GRCh38, 1-based): chr14:95,095,994, C deleted on the plus strand (G on the coding strand, the reverse complement: DICER1 is on the minus strand). VCF-style (leftmost placement, unchanged base first): chr14-95095993-TC-T. GRCh37 (hg19) VCF-style: chr14-95562330-TC-T.
Other names: c.4926del, p.Lys1643fs (NM_001395693.1, NM_001395694.1, NM_030621.4 and 12 more transcripts); c.3243del, p.Lys1082fs (NM_001395697.1); c.4521del, p.Lys1508fs (NM_001395696.1, NM_001395687.1, NM_001395688.1 and 2 more transcripts); c.4644del, p.Lys1549fs (NM_001395686.1); c.4359del, p.Lys1454fs (NM_001395691.1); short protein forms K1643fs, K1454fs, K1082fs, K1508fs, K1549fs.
Identifiers: ClinVar variation 3271979 (VCV003271979.1).

ClinVar aggregate classification (germline): Pathogenic (1 of 4 stars; one submission).

Conditions:
Hereditary cancer-predisposing syndrome. Also called: Tumor predisposition; Hereditary Cancer Syndrome; Hereditary neoplastic syndrome; Neoplastic Syndromes, Hereditary. Identifiers: Orphanet 140162, MedGen C0027672, MeSH D009386, MONDO:0015356.

Submission:

Ambry Genetics
Classification: Pathogenic for Hereditary cancer-predisposing syndrome. Last evaluated: 2024-04-08. Review status: criteria provided, single submitter. Criteria: Ambry Variant Classification Scheme 2023. Collection method: clinical testing. Allele origin: germline.
Comment: The c.4926delG pathogenic mutation, located in coding exon 22 of the DICER1 gene, results from a deletion of one nucleotide at nucleotide position 4926, causing a translational frameshift with a predicted alternate stop codon (p.K1643Rfs*17). This alteration is expected to result in loss of function by premature protein truncation or nonsense-mediated mRNA decay. This variant is considered to be rare based on population cohorts in the Genome Aggregation Database (gnomAD). As such, this alteration is interpreted as a disease-causing mutation.